The following is an entry in ClinVar:

NM_000152.5(GAA):c.2480A>G (p.Gln827Arg)

Gene: GAA (alpha glucosidase; plus strand). Cytogenetic location: 17q25.3.
Variant type: single nucleotide variant.
Coding change: c.2480A>G on transcript NM_000152.5 (MANE Select); coding-DNA position 2480, A replaced by G.
Protein change: p.Gln827Arg; replaces glutamine 827 with arginine.
Molecular consequence: missense variant.
Genome position (GRCh38, 1-based): chr17:80,117,748, A>G. VCF-style: chr17-80117748-A-G. GRCh37 (hg19) VCF-style: chr17-78091547-A-G.
Other names: c.2480A>G, p.Gln827Arg (NM_001079803.3, NM_001079804.3); short protein forms Q827R.
Identifiers: ClinVar variation 859351 (VCV000859351.11), dbSNP rs1555602967, ClinGen allele CA401325545.

ClinVar aggregate classification (germline): Uncertain significance. Review status: criteria provided, multiple submitters, no conflicts (2 of 4 stars). 2 submissions from 2 submitters: Uncertain significance (2). Last evaluated 2026-07-01.

Conditions:
Glycogen storage disease, type II (IOPD). Also called: Glycogen storage disease type 2; Acid maltase deficiency disease; Aglucosidase alfa; Deficiency of alpha-glucosidase; Deficiency of lysosomal alpha-glucosidase; POMPE DISEASE, INFANTILE-ONSET. Identifiers: Orphanet 365, MedGen C0017921, MONDO:0009290, OMIM 232300.

Submissions (2):

Genomenon, Inc
Classification: Uncertain significance for Glycogen storage disease, type II. Last evaluated: 2026-07-01. Review status: criteria provided, single submitter. Criteria: Genomenon Sequence Variant Interpretation Standards - Updated. Collection method: curation. Allele origin: germline. Affected: no.
Comment: GAA p.Gln827Arg (c.2480A>G) is a missense variant that changes the amino acid at codon 827 from Glutamine to Arginine. This variant has been reported in the published literature (PMID:31342611;33560568). It is absent or not present at a significant frequency in gnomAD. In silico models predict that this variant is possibly or probably damaging. In conclusion, we classify GAA p.Gln827Arg (c.2480A>G) as a variant of uncertain significance.

Labcorp Genetics (formerly Invitae), Labcorp
Classification: Uncertain significance for Glycogen storage disease, type II. Last evaluated: 2022-10-13. Review status: criteria provided, single submitter. Criteria: Invitae Variant Classification Sherloc (09022015). Collection method: clinical testing. Allele origin: germline.
Comment: In summary, the available evidence is currently insufficient to determine the role of this variant in disease. Therefore, it has been classified as a Variant of Uncertain Significance. Algorithms developed to predict the effect of sequence changes on RNA splicing suggest that this variant may disrupt the consensus splice site. Algorithms developed to predict the effect of missense changes on protein structure and function are either unavailable or do not agree on the potential impact of this missense change (SIFT: "Tolerated"; PolyPhen-2: "Probably Damaging"; Align-GVGD: "Class C0"). ClinVar contains an entry for this variant (Variation ID: 859351). This missense change has been observed in individual(s) with clinical features of Pompe disease (PMID: 31342611; Invitae). In at least one individual the data is consistent with being in trans (on the opposite chromosome) from a pathogenic variant. This variant is not present in population databases (gnomAD no frequency). This sequence change replaces glutamine, which is neutral and polar, with arginine, which is basic and polar, at codon 827 of the GAA protein (p.Gln827Arg).

Literature cited by the submitters: PubMed 31342611 (cited by Genomenon, Inc and Labcorp Genetics (formerly Invitae), Labcorp); PubMed 33560568 (cited by Genomenon, Inc).